The following is an entry in ClinVar:

NM_005334.3(HCFC1):c.2353+2_2353+3insG

Gene: HCFC1 (host cell factor C1; minus strand). Cytogenetic location: Xq28.
Variant type: Insertion.
Coding change: c.2353+2_2353+3insG on transcript NM_005334.3 (MANE Select); the canonical splice donor site of the intron after coding-DNA position 2353 through 3 bases into the intron after coding-DNA position 2353, G inserted.
Molecular consequence: splice donor variant.
Genome position: GRCh38 VCF-style: chrX-153957311-T-TC. GRCh37 (hg19) VCF-style: chrX-153222762-T-TC.
Other names: c.2353+2_2353+3insG (NM_001410705.1).
Identifiers: ClinVar variation 3047519 (VCV003047519.2), dbSNP rs2521613106, ClinGen allele CA2740090226.

ClinVar aggregate classification (germline): Likely benign (0 of 4 stars; one submission).

Conditions:
HCFC1-related disorder. Also called: HCFC1-related condition.

Submission:

PreventionGenetics, part of Exact Sciences
Classification: Likely benign for HCFC1-related condition. Last evaluated: 2020-04-21. Review status: no assertion criteria provided. Collection method: clinical testing. Allele origin: germline.
Comment: This variant is classified as likely benign based on ACMG/AMP sequence variant interpretation guidelines (Richards et al. 2015 PMID: 25741868, with internal and published modifications).